The following is an entry in ClinVar:

ClinVar aggregate classification (germline): Likely benign. Review status: criteria provided, multiple submitters, no conflicts (2 of 4 stars). 2 submissions from 2 submitters: Likely benign (2). Last evaluated 2022-11-30.

Conditions:
Malignant hyperthermia, susceptibility to, 5 (MHS5). Also called: CACNA1S-Related Malignant Hyperthermia Susceptibility. Identifiers: Orphanet 423, MedGen C1866077, MONDO:0011163, OMIM 601887.
Hypokalemic periodic paralysis, type 1. Also called: HypoPP; Hypokalemic Periodic Paralysis Type 1 (AD). Identifiers: Orphanet 681, MedGen C3714580, MONDO:0042979, OMIM 170400.

gnomAD v4.1: 15 of 1,613,716 alleles (0.00093%); highest among the groups gnomAD compares: Non-Finnish European, 0.0012%; no homozygotes.

Submissions (2):

All of Us Research Program, National Institutes of Health
Classification: Likely benign for Malignant hyperthermia, susceptibility to, 5. Last evaluated: 2022-11-30. Review status: criteria provided, single submitter. Criteria: ACMG Guidelines, 2015. Collection method: clinical testing. Allele origin: germline. Inheritance: Autosomal dominant inheritance. Observed: 1 variant allele, 1 heterozygote.
Comment: This study involves interpretation of variants in research participants for the purpose of population health screening. Participant phenotype was not available at the time of variant classification. Additional details can be found in publication PMID: 35346344, PMCID: PMC8962531

Labcorp Genetics (formerly Invitae), Labcorp
Classification: Likely benign for Hypokalemic periodic paralysis, type 1; Malignant hyperthermia, susceptibility to, 5. Last evaluated: 2022-07-11. Review status: criteria provided, single submitter. Criteria: Invitae Variant Classification Sherloc (09022015). Collection method: clinical testing. Allele origin: germline.

NM_000069.3(CACNA1S):c.1371T>A (p.Pro457=)

Gene: CACNA1S (calcium voltage-gated channel subunit alpha1 S; minus strand). Cytogenetic location: 1q32.1.
Variant type: single nucleotide variant.
Coding change: c.1371T>A on transcript NM_000069.3 (MANE Select); coding-DNA position 1371, T replaced by A.
Protein change: p.Pro457=; no amino-acid change (proline 457 retained).
Molecular consequence: synonymous variant.
Genome position (GRCh38, 1-based): chr1:201,083,184, A>T on the plus strand (T>A on the coding strand, the complement: CACNA1S is on the minus strand). VCF-style: chr1-201083184-A-T. GRCh37 (hg19) VCF-style: chr1-201052312-A-T.
Identifiers: ClinVar variation 756605 (VCV000756605.9), dbSNP rs12742170, ClinGen allele CA422691659.